The following is an entry in ClinVar:

ClinVar aggregate classification (germline): Pathogenic (1 of 4 stars; one submission).

Conditions:
Developmental and epileptic encephalopathy, 37 (DEE37). Also called: Epileptic encephalopathy, early infantile, 37. Identifiers: MedGen C4310770, MONDO:0014859, OMIM 616981.

Submission:

Labcorp Genetics (formerly Invitae), Labcorp
Classification: Pathogenic for Developmental and epileptic encephalopathy, 37. Last evaluated: 2024-04-10. Review status: criteria provided, single submitter. Criteria: Invitae Variant Classification Sherloc (09022015). Collection method: clinical testing. Allele origin: germline.
Comment: This sequence change inserts a large fragment of DNA, likely a transposable element, in exon 4 of the FRRS1L gene (c.771_772ins?), causing a frameshift at codon 258 (p.Lys258Phefs). The exact size and sequence of the insertion cannot be determined by the current assay. However, the insertion is expected to result in an absent or disrupted protein product. This variant is not present in population databases (gnomAD no frequency). This variant has not been reported in the literature in individuals affected with FRRS1L-related conditions. Retrotransposon insertions including LINE1 (L1), Alu, and SVA (SINE-VNTR-Alu) have been reported to be disease-causing through disruption of either a coding region or splice site (PMID: 19763152, 20307669, 22406018) and loss-of-function variants in FRRS1L are known to be pathogenic (PMID: 27236917). For these reasons, this variant has been classified as Pathogenic.

Literature cited by the submitters: PubMed 19763152; PubMed 20307669; PubMed 22406018; PubMed 27236917.

NM_014334.4(FRRS1L):c.618_619insTTTTTTTTTTTTTTTTTTTTTTTTTTTTTNNNGACCTCGTGATCCGCCCGCCTCGGCCTCCCAAAGTGCTGGGATTACAGGCGTGAGCCACCGCGCCCGGCCTCACCTGCAGATTT (p.Lys207delinsPhePhePhePhePhePhePhePhePheXaaXaaThrSerTer)

Gene: FRRS1L (ferric chelate reductase 1 like; minus strand). Cytogenetic location: 9q31.3.
Variant type: Insertion.
Coding change: c.618_619insTTTTTTTTTTTTTTTTTTTTTTTTTTTTTNNNGACCTCGTGATCCGCCCGCCTCGGCCTCCCAAAGTGCTGGGATTACAGGCGTGAGCCACCGCGCCCGGCCTCACCTGCAGATTT on transcript NM_014334.4 (MANE Select); coding-DNA positions 618 to 619, TTTTTTTTTTTTTTTTTTTTTTTTTTTTTNNNGACCTCGTGATCCGCCCGCCTCGGCCTCCCAAAGTGCTGGGATTACAGGCGTGAGCCACCGCGCCCGGCCTCACCTGCAGATTT inserted.
Protein change: p.Lys207delinsPhePhePhePhePhePhePhePhePheXaaXaaThrSerTer.
Molecular consequence: nonsense.
Genome position: GRCh38: chr9:109,141,447-109,141,448. GRCh37 (hg19): chr9:111,903,727-111,903,728.
Identifiers: ClinVar variation 2698820 (VCV002698820.3), dbSNP rs2118467700.